The following is an entry in ClinVar:

ClinVar aggregate classification (germline): Likely benign. Review status: criteria provided, multiple submitters, no conflicts (2 of 4 stars). 3 submissions from 3 submitters: Likely benign (3). Last evaluated 2026-03-01.

Conditions:
Bethlem myopathy 1A. Also called: Bethlem Muscular Dystrophy; Bethlem myopathy 1; MYOPATHY, BENIGN CONGENITAL, WITH CONTRACTURES. Identifiers: Orphanet 610, MedGen CN029274, MONDO:0024530, OMIM 158810.

Allele frequency attached by ClinVar (database versions not stated): gnomAD exomes 0.00002 and 0.00008; gnomAD 0.00003 and 0.00004; TOPMed 0.00004; ExAC 0.00009.
gnomAD v4.1: 33 of 1,613,906 alleles (0.002%); highest among the groups gnomAD compares: Admixed American, 0.04%; no homozygotes.

Submissions (3):

CeGaT Center for Human Genetics Tuebingen
Classification: Likely benign. Last evaluated: 2026-03-01. Review status: criteria provided, single submitter. Criteria: CeGaT Center For Human Genetics Tuebingen Variant Classification Criteria Version 2. Collection method: clinical testing. Allele origin: germline. Affected: yes. Observed: 1 variant allele.
Comment: COL6A3: BP4, BP7

Labcorp Genetics (formerly Invitae), Labcorp
Classification: Likely benign for Bethlem myopathy 1A. Last evaluated: 2026-01-30. Review status: criteria provided, single submitter. Criteria: Invitae Variant Classification Sherloc (09022015). Collection method: clinical testing. Allele origin: germline.

GeneDx
Classification: Likely benign. Last evaluated: 2016-12-07. Review status: criteria provided, single submitter. Criteria: GeneDx Variant Classification (06012015). Collection method: clinical testing. Allele origin: germline. Affected: yes.
Comment: This variant is considered likely benign or benign based on one or more of the following criteria: it is a conservative change, it occurs at a poorly conserved position in the protein, it is predicted to be benign by multiple in silico algorithms, and/or has population frequency not consistent with disease.

NM_004369.4(COL6A3):c.3936G>C (p.Val1312=)

Gene: COL6A3 (collagen type VI alpha 3 chain; minus strand). Cytogenetic location: 2q37.3.
Variant type: single nucleotide variant.
Coding change: c.3936G>C on transcript NM_004369.4 (MANE Select); coding-DNA position 3936, G replaced by C.
Protein change: p.Val1312=; no amino-acid change (valine 1312 retained).
Molecular consequence: synonymous variant.
Genome position (GRCh38, 1-based): chr2:237,372,081, C>G on the plus strand (G>C on the coding strand, the complement: COL6A3 is on the minus strand). VCF-style: chr2-237372081-C-G. GRCh37 (hg19) VCF-style: chr2-238280724-C-G.
Other names: c.2715G>C, p.Val905= (NM_057164.5); c.3318G>C, p.Val1106= (NM_057165.5, NM_057167.4); c.2115G>C, p.Val705= (NM_057166.5).
Identifiers: ClinVar variation 382755 (VCV000382755.14), dbSNP rs776983763, ClinGen allele CA2189036.